The following is an entry in ClinVar:

ClinVar aggregate classification (germline): Benign/Likely benign. Review status: criteria provided, multiple submitters, no conflicts (2 of 4 stars). 7 submissions from 7 submitters: Benign (3); Likely benign (2). 2 of the submissions do not count toward it. Last evaluated 2026-05-01.

Allele frequency attached by ClinVar (database versions not stated): ESP Exome Variant Server 0.00976; gnomAD exomes 0.00082 and 0.00194; ExAC 0.00239; 1000 Genomes Project 0.00619; 1000 Genomes Project 30x 0.00656; gnomAD 0.00726 and 0.00777; TOPMed 0.00839.
gnomAD v4.1: 2,349 of 1,595,540 alleles (0.15%); highest among the groups gnomAD compares: African/African-American, 2.6%; 37 homozygotes.

Submissions (7):

CeGaT Center for Human Genetics Tuebingen
Classification: Benign. Last evaluated: 2026-05-01. Review status: criteria provided, single submitter. Criteria: CeGaT Center For Human Genetics Tuebingen Variant Classification Criteria Version 2. Collection method: clinical testing. Allele origin: germline. Affected: yes. Observed: 3 variant alleles.
Comment: APOL1: BP4, BS1, BS2

Labcorp Genetics (formerly Invitae), Labcorp
Classification: Benign. Last evaluated: 2025-12-03. Review status: criteria provided, single submitter. Criteria: Invitae Variant Classification Sherloc (09022015). Collection method: clinical testing. Allele origin: germline.

Genetic Services Laboratory, University of Chicago
Classification: Benign. Last evaluated: 2021-06-25. Review status: criteria provided, single submitter. Criteria: ACMG Guidelines, 2015. Collection method: clinical testing. Allele origin: germline. Affected: no.

GeneDx
Classification: Likely benign. Last evaluated: 2020-03-31. Review status: criteria provided, single submitter. Criteria: GeneDx Variant Classification Process June 2021. Collection method: clinical testing. Allele origin: germline. Affected: yes.
Comment: This variant is associated with the following publications: (PMID: 27073096)

Breakthrough Genomics
Classification: Likely benign. Review status: criteria provided, single submitter. Criteria: ACMG Guidelines, 2015. Collection method: not provided. Allele origin: germline. Inheritance: Unknown mechanism. Affected: yes.

Clinical Genetics DNA and cytogenetics Diagnostics Lab, Erasmus MC, Erasmus Medical Center
Classification: Benign. Review status: no assertion criteria provided. Collection method: clinical testing. Allele origin: germline. Affected: yes. Study: VKGL Data-share Consensus. Not counted in ClinVar's aggregate classification.

Genome Diagnostics Laboratory, University Medical Center Utrecht
Classification: Benign. Review status: no assertion criteria provided. Collection method: clinical testing. Allele origin: germline. Affected: yes. Study: VKGL Data-share Consensus. Not counted in ClinVar's aggregate classification.

NM_003661.4(APOL1):c.792C>A (p.Asn264Lys)

Gene: APOL1 (apolipoprotein L1; plus strand). Cytogenetic location: 22q12.3.
Variant type: single nucleotide variant.
Coding change: c.792C>A on transcript NM_003661.4 (MANE Select); coding-DNA position 792, C replaced by A.
Protein change: p.Asn264Lys; replaces asparagine 264 with lysine.
Molecular consequence: missense variant.
Genome position (GRCh38, 1-based): chr22:36,265,628, C>A. VCF-style: chr22-36265628-C-A. GRCh37 (hg19) VCF-style: chr22-36661674-C-A.
Other names: c.738C>A, p.Asn246Lys (NM_001362927.2, NM_001136541.2); c.840C>A, p.Asn280Lys (NM_145343.3); c.792C>A, p.Asn264Lys (NM_001136540.2); short protein forms N246K, N264K, N280K.
Identifiers: ClinVar variation 1170737 (VCV001170737.31), dbSNP rs73885316, ClinGen allele CA10208751.